The following is an entry in ClinVar:

NM_000245.4(MET):c.1099A>G (p.Ile367Val)

Gene: MET (MET proto-oncogene, receptor tyrosine kinase; plus strand). Cytogenetic location: 7q31.2.
Variant type: single nucleotide variant.
Coding change: c.1099A>G on transcript NM_000245.4 (MANE Select); coding-DNA position 1099, A replaced by G.
Protein change: p.Ile367Val; replaces isoleucine 367 with valine.
Molecular consequence: missense variant. On other transcripts: intron variant (1).
Genome position (GRCh38, 1-based): chr7:116,700,183, A>G. VCF-style: chr7-116700183-A-G. GRCh37 (hg19) VCF-style: chr7-116340237-A-G.
Other names: c.1099A>G, p.Ile367Val (NM_001127500.3, NM_001324401.3); c.-91+27606A>G (NM_001324402.2); short protein forms I367V.
Identifiers: ClinVar variation 480850 (VCV000480850.19), dbSNP rs774146015, ClinGen allele CA4448069.

ClinVar aggregate classification (germline): Conflicting classifications of pathogenicity. Review status: criteria provided, conflicting classifications (1 of 4 stars). 7 submissions from 7 submitters: Uncertain significance (6); Likely benign (1). Last evaluated 2025-12-23.

Conditions:
MET-related disorder. Also called: MET-related condition.
Renal cell carcinoma. Identifiers: Orphanet 217071, MedGen C0007134, MeSH D002292, MONDO:0005086, HP:0005584.
Hereditary cancer-predisposing syndrome. Also called: Neoplastic Syndromes, Hereditary; Hereditary Cancer Syndrome; Tumor predisposition; Hereditary neoplastic syndrome. Identifiers: Orphanet 140162, MedGen C0027672, MeSH D009386, MONDO:0015356.
Papillary renal cell carcinoma type 1 (RCCP1). Also called: RENAL CELL CARCINOMA, PAPILLARY, 1, SOMATIC; Renal adenocarcinoma; Renal cell carcinoma 1; Renal cell carcinoma, somatic. Identifiers: Orphanet 47044, MedGen C1336839, OMIM 605074, HP:0011797.

Allele frequency attached by ClinVar (database versions not stated): gnomAD exomes below 0.00001 and 0.00002; ExAC 0.00001; gnomAD 0.00001; TOPMed 0.00001.
gnomAD v4.1: 28 of 1,593,180 alleles (0.0018%); highest among the groups gnomAD compares: Non-Finnish European, 0.0022%; no homozygotes.

Submissions (7):

Labcorp Genetics (formerly Invitae), Labcorp
Classification: Uncertain significance for Renal cell carcinoma. Last evaluated: 2025-12-23. Review status: criteria provided, single submitter. Criteria: Invitae Variant Classification Sherloc (09022015). Collection method: clinical testing. Allele origin: germline.
Comment: This sequence change replaces isoleucine, which is neutral and non-polar, with valine, which is neutral and non-polar, at codon 367 of the MET protein (p.Ile367Val). The frequency data for this variant in the population databases is considered unreliable, as metrics indicate poor data quality at this position in the gnomAD database. This missense change has been observed in individual(s) with MET-related conditions (PMID: 37086329). ClinVar contains an entry for this variant (Variation ID: 480850). Invitae Evidence Modeling of protein sequence and biophysical properties (such as structural, functional, and spatial information, amino acid conservation, physicochemical variation, residue mobility, and thermodynamic stability) indicates that this missense variant is not expected to disrupt MET protein function with a negative predictive value of 80%. In summary, the available evidence is currently insufficient to determine the role of this variant in disease. Therefore, it has been classified as a Variant of Uncertain Significance.

St. Jude Molecular Pathology, St. Jude Children's Research Hospital
Classification: Uncertain significance for Papillary renal cell carcinoma type 1. Last evaluated: 2025-02-05. Review status: criteria provided, single submitter. Criteria: St. Jude Assertion Criteria 2020. Collection method: clinical testing. Allele origin: germline.
Comment: The MET c.1099A>G p.(Ile367Val) missense change has a maximum subpopulation frequency of 0.0009% in gnomAD v2.1.1. The in silico tool REVEL predicts a benign effect on protein function, but to our knowledge this prediction has not been confirmed by functional studies. To our knowledge, this variant has not been reported in individuals with hereditary papillary renal cell carcinoma. In summary, the evidence currently available is insufficient to determine the clinical significance of this variant. It has therefore been classified as of uncertain significance.

PreventionGenetics, part of Exact Sciences
Classification: Uncertain significance for MET-related condition. Last evaluated: 2024-12-02. Review status: criteria provided, single submitter. Criteria: ACMG Guidelines, 2015. Collection method: clinical testing. Allele origin: germline.
Comment: The MET c.1099A>G variant is predicted to result in the amino acid substitution p.Ile367Val. To our knowledge, this variant has not been reported in the literature. This variant is reported in 0.00094% of alleles in individuals of European (Non-Finnish) descent in gnomAD. At this time, the clinical significance of this variant is uncertain due to the absence of conclusive functional and genetic evidence.

Quest Diagnostics Nichols Institute San Juan Capistrano
Classification: Uncertain significance. Last evaluated: 2024-06-24. Review status: criteria provided, single submitter. Criteria: Quest Diagnostics criteria. Collection method: clinical testing. Allele origin: unknown.

GeneDx
Classification: Uncertain significance. Last evaluated: 2024-02-21. Review status: criteria provided, single submitter. Criteria: GeneDx Variant Classification Process June 2021. Collection method: clinical testing. Allele origin: germline.
Comment: Not observed at significant frequency in large population cohorts (gnomAD); In silico analysis supports that this missense variant does not alter protein structure/function; Has not been previously published as pathogenic or benign to our knowledge

Baylor Genetics
Classification: Uncertain significance for Papillary renal cell carcinoma type 1. Last evaluated: 2021-07-27. Review status: criteria provided, single submitter. Criteria: ACMG Guidelines, 2015. Collection method: clinical testing. Allele origin: maternal. Affected: yes. Study: CSER-TexasKidsCanSeq.
Comment: This variant was determined to be of uncertain significance according to ACMG Guidelines, 2015 [PMID:25741868].

Ambry Genetics
Classification: Likely benign for Hereditary cancer-predisposing syndrome. Last evaluated: 2019-03-25. Review status: criteria provided, single submitter. Criteria: Ambry Variant Classification Scheme 2023. Collection method: clinical testing. Allele origin: germline.

Literature cited by the submitters: PubMed 37086329 (cited by Labcorp Genetics (formerly Invitae), Labcorp and Quest Diagnostics Nichols Institute San Juan Capistrano); PubMed 31169336 (cited by Quest Diagnostics Nichols Institute San Juan Capistrano).